The following is an entry in ClinVar:

NM_000238.4(KCNH2):c.1332G>T (p.Glu444Asp)

Gene: KCNH2 (potassium voltage-gated channel subfamily H member 2; minus strand). Cytogenetic location: 7q36.1.
Variant type: single nucleotide variant.
Coding change: c.1332G>T on transcript NM_000238.4 (MANE Select); coding-DNA position 1332, G replaced by T.
Protein change: p.Glu444Asp; replaces glutamic acid 444 with aspartic acid.
Molecular consequence: missense variant.
Genome position (GRCh38, 1-based): chr7:150,952,650, C>A on the plus strand (G>T on the coding strand, the complement: KCNH2 is on the minus strand). VCF-style: chr7-150952650-C-A. GRCh37 (hg19) VCF-style: chr7-150649738-C-A.
Other names: c.1332G>T (LRG_288t1); c.312G>T, p.Glu104Asp (NM_001204798.2, NM_172057.3); c.1044G>T, p.Glu348Asp (NM_001406753.1, NM_001406756.1); c.1155G>T, p.Glu385Asp (NM_001406755.1); c.1032G>T, p.Glu344Asp (NM_001406757.1); c.1332G>T, p.Glu444Asp (NM_172056.3); short protein forms E104D, E444D, E344D, E385D, E348D.
Identifiers: ClinVar variation 67188 (VCV000067188.3), dbSNP rs9770044, ClinGen allele CA004493.
Genomic context (GRCh38, chr7:150,952,650, plus strand): 5'-AATGAACATGATGTCCACGATGAGGTCCACCACAGCCAGCGGCTGGCAGGCGTAGCCACA[C>A]TCGGTAGCAGGCGGGCCTTCTTCCGTCTCCTTCAGCAGGAAGGCAGCCGAGTAGGGTGTG-3'
Protein context (NP_000229.1, residues 434-454): KETEEGPPAT[Glu444Asp]CGYACQPLAV

ClinVar aggregate classification (germline): not provided (0 of 4 stars; one submission).

Submission:

Cardiovascular Biomedical Research Unit, Royal Brompton & Harefield NHS Foundation Trust
No classification provided. Review status: no classification provided. Collection method: literature only. Allele origin: germline.
Comment: This variant has been reported in the following publications (PMID:12442276).

Literature cited by the submitters: PubMed 12442276; PubMed 22581653.